The following is an entry in ClinVar:

ClinVar aggregate classification (germline): Likely benign. Review status: criteria provided, multiple submitters, no conflicts (2 of 4 stars). 2 submissions from 2 submitters: Likely benign (2). Last evaluated 2026-08-01.

Allele frequency attached by ClinVar (database versions not stated): gnomAD exomes 0.00001; TOPMed 0.00001.

Submissions (2):

CeGaT Center for Human Genetics Tuebingen
Classification: Likely benign. Last evaluated: 2026-08-01. Review status: criteria provided, single submitter. Criteria: CeGaT Center For Human Genetics Tuebingen Variant Classification Criteria Version 2. Collection method: clinical testing. Allele origin: germline. Affected: yes. Observed: 1 variant allele.
Comment: VPS11: BP4, BP7

Labcorp Genetics (formerly Invitae), Labcorp
Classification: Likely benign. Last evaluated: 2023-12-21. Review status: criteria provided, single submitter. Criteria: Invitae Variant Classification Sherloc (09022015). Collection method: clinical testing. Allele origin: germline.

NM_021729.6(VPS11):c.1803G>A (p.Pro601=)

Gene: VPS11 (VPS11 core subunit of CORVET and HOPS complexes; plus strand). Cytogenetic location: 11q23.3.
Variant type: single nucleotide variant.
Coding change: c.1803G>A on transcript NM_021729.6 (MANE Select); coding-DNA position 1803, G replaced by A.
Protein change: p.Pro601=; no amino-acid change (proline 601 retained).
Molecular consequence: synonymous variant. On other transcripts: non-coding transcript variant (8).
Genome position (GRCh38, 1-based): chr11:119,078,214, G>A. VCF-style: chr11-119078214-G-A. GRCh37 (hg19) VCF-style: chr11-118948924-G-A.
Other names: c.1773G>A, p.Pro591= (NM_001290185.2); c.1815G>A, p.Pro605= (NM_001378218.1, NM_001378219.1); c.1788G>A, p.Pro596= (NM_001378220.1); c.1785G>A, p.Pro595= (NM_001378221.1).
Identifiers: ClinVar variation 2987880 (VCV002987880.4), dbSNP rs146122577, ClinGen allele CA6313533.